The following is an entry in ClinVar:

NM_004795.4(KL):c.1393G>A (p.Glu465Lys)

Gene: KL (klotho; plus strand). Cytogenetic location: 13q13.1.
Variant type: single nucleotide variant.
Coding change: c.1393G>A on transcript NM_004795.4 (MANE Select); coding-DNA position 1393, G replaced by A.
Protein change: p.Glu465Lys; replaces glutamic acid 465 with lysine.
Molecular consequence: missense variant.
Genome position (GRCh38, 1-based): chr13:33,055,109, G>A. VCF-style: chr13-33055109-G-A. GRCh37 (hg19) VCF-style: chr13-33629246-G-A.
Other names: c.1393G>A (NM_004795.3); short protein forms E465K.
Identifiers: ClinVar variation 1506406 (VCV001506406.9), dbSNP rs369262610, ClinGen allele CA6944099.

ClinVar aggregate classification (germline): Uncertain significance. Review status: criteria provided, multiple submitters, no conflicts (2 of 4 stars). 2 submissions from 2 submitters: Uncertain significance (2). Last evaluated 2025-09-22.

Allele frequency attached by ClinVar (database versions not stated): gnomAD 0.00001; gnomAD exomes 0.00001 and 0.00002; ExAC 0.00003; ESP Exome Variant Server 0.00008.
gnomAD v4.1: 15 of 1,614,072 alleles (0.00093%); highest among the groups gnomAD compares: Admixed American, 0.0017%; no homozygotes.

Submissions (2):

Ambry Genetics
Classification: Uncertain significance. Last evaluated: 2025-09-22. Review status: criteria provided, single submitter. Criteria: Ambry Variant Classification Scheme 2023. Collection method: clinical testing. Allele origin: germline.

Labcorp Genetics (formerly Invitae), Labcorp
Classification: Uncertain significance. Last evaluated: 2023-06-06. Review status: criteria provided, single submitter. Criteria: Invitae Variant Classification Sherloc (09022015). Collection method: clinical testing. Allele origin: germline.
Comment: Advanced modeling of protein sequence and biophysical properties (such as structural, functional, and spatial information, amino acid conservation, physicochemical variation, residue mobility, and thermodynamic stability) performed at Invitae indicates that this missense variant is expected to disrupt KL protein function. In summary, the available evidence is currently insufficient to determine the role of this variant in disease. Therefore, it has been classified as a Variant of Uncertain Significance. ClinVar contains an entry for this variant (Variation ID: 1506406). This sequence change replaces glutamic acid, which is acidic and polar, with lysine, which is basic and polar, at codon 465 of the KL protein (p.Glu465Lys). This variant is present in population databases (rs369262610, gnomAD 0.004%). This variant has not been reported in the literature in individuals affected with KL-related conditions.